The following is an entry in ClinVar:

NM_001283009.2(RTEL1):c.1995G>T (p.Glu665Asp)

Genes: RTEL1 (regulator of telomere elongation helicase 1; plus strand), RTEL1-TNFRSF6B (RTEL1-TNFRSF6B readthrough (NMD candidate); plus strand). Cytogenetic location: 20q13.33.
Variant type: single nucleotide variant.
Coding change: c.1995G>T on transcript NM_001283009.2 (MANE Select); coding-DNA position 1995, G replaced by T.
Protein change: p.Glu665Asp; replaces glutamic acid 665 with aspartic acid.
Molecular consequence: missense variant. On other transcripts: non-coding transcript variant (1).
Genome position (GRCh38, 1-based): chr20:63,689,618, G>T. VCF-style: chr20-63689618-G-T. GRCh37 (hg19) VCF-style: chr20-62320971-G-T.
Other names: c.1326G>T, p.Glu442Asp (NM_001283010.1); c.1995G>T, p.Glu665Asp (NM_016434.4); c.2067G>T, p.Glu689Asp (NM_032957.5); short protein forms E442D, E665D, E689D.
Identifiers: ClinVar variation 3791099 (VCV003791099.1).

ClinVar aggregate classification (germline): Uncertain significance (1 of 4 stars; one submission).

Conditions:
Inborn genetic diseases. Identifiers: MedGen C0950123, MeSH D030342.

Submission:

Ambry Genetics
Classification: Uncertain significance for Inborn genetic diseases. Last evaluated: 2025-01-30. Review status: criteria provided, single submitter. Criteria: Ambry Variant Classification Scheme 2023. Collection method: clinical testing. Allele origin: germline.
Comment: The p.E665D variant (also known as c.1995G>T), located in coding exon 22 of the RTEL1 gene, results from a G to T substitution at nucleotide position 1995. The glutamic acid at codon 665 is replaced by aspartic acid, an amino acid with highly similar properties. This amino acid position is conserved. In addition, the in silico prediction for this alteration is inconclusive. Based on the available evidence, the clinical significance of this variant remains unclear.